The following is an entry in ClinVar:

NM_001033855.3(DCLRE1C):c.57C>A (p.Phe19Leu)

Gene: DCLRE1C (DNA cross-link repair 1C; minus strand). Cytogenetic location: 10p13.
Variant type: single nucleotide variant.
Coding change: c.57C>A on transcript NM_001033855.3 (MANE Select); coding-DNA position 57, C replaced by A.
Protein change: p.Phe19Leu; replaces phenylalanine 19 with leucine.
Molecular consequence: missense variant. On other transcripts: 5 prime UTR variant (9), non-coding transcript variant (4).
Genome position (GRCh38, 1-based): chr10:14,953,954, G>T on the plus strand (C>A on the coding strand, the complement: DCLRE1C is on the minus strand). VCF-style: chr10-14953954-G-T. GRCh37 (hg19) VCF-style: chr10-14995953-G-T.
Other names: NM_001033855.3(DCLRE1C):c.57C>A; p.Phe19Leu; c.-389C>A (NM_001033857.3, NM_001350967.2); c.-711C>A (NM_001033858.3); c.-148C>A (NM_001289076.2); c.-435C>A (NM_001289077.2); c.-181C>A (NM_001289078.2, NM_001350966.2); c.-757C>A (NM_001289079.2); and 2 more; short protein forms F19L.
Identifiers: ClinVar variation 2107279 (VCV002107279.5), dbSNP rs1457686297, ClinGen allele CA376065885.
Genomic context (GRCh38, chr10:14,953,954, plus strand): 5'-TCACTCACCTTTGTGGCAGTGGGACAGGAAGTAGGCGCGGGCCCTCAGGTTCTCCCTATC[G>T]AAGCGGTCTATGGAGATAGTTGGATACTCGGCCATCTGCCCCTCGAAAGAACTCATAGCG-3'
Protein context (NP_001029027.1, residues 9-29): AEYPTISIDR[Phe19Leu]DRENLRARAY

ClinVar aggregate classification (germline): Uncertain significance. Review status: reviewed by expert panel (3 of 4 stars). 2 submissions from 2 submitters: Uncertain significance (1). 1 of the submissions does not count toward it. Last evaluated 2024-01-23.

Conditions:
Severe combined immunodeficiency due to DCLRE1C deficiency (RS-SCID). Also called: SCID, AUTOSOMAL RECESSIVE, T CELL-NEGATIVE, B CELL-NEGATIVE, NK CELL-POSITIVE, WITH SENSITIVITY TO IONIZING RADIATION. Identifiers: Orphanet 275, MedGen C1865371, MONDO:0011225, OMIM 602450.

Submissions (2):

ClinGen Severe Combined Immunodeficiency Variant Curation Expert Panel, ClinGen
Classification: Uncertain significance for Severe combined immunodeficiency due to DCLRE1C deficiency. Last evaluated: 2024-01-23. Review status: reviewed by expert panel. Criteria: ClinGen SCID ACMG Specifications DCLRE1C V1.0.0. Collection method: curation. Allele origin: germline. Inheritance: Autosomal recessive inheritance.
Comment: The c.57C>A (NM_001033855.3) variant in DCLRE1C is a missense variant predicted to cause substitution of Phenylalanine by Leucine at amino acid 19 (p.Phe19Leu). This variant is absent from gnomAD v4 (PM2_Supporting). To our knowledge, this variant has not been reported in the literature in individuals affected with DCLRE1c-related conditions or in functional studies. Due to insufficient evidence, this variant is classified as a variant of uncertain significance for autosomal recessive SCID based on ACMG/AMP criteria applied, as specified by the ClinGen SCID VCEP (specification version 1.0): PM2_Supporting.

Labcorp Genetics (formerly Invitae), Labcorp
Classification: Uncertain significance for Athabaskan severe combined immunodeficiency. Last evaluated: 2025-09-15. Review status: criteria provided, single submitter. Criteria: Invitae Variant Classification Sherloc (09022015). Collection method: clinical testing. Allele origin: germline. Not counted in ClinVar's aggregate classification.
Comment: This sequence change replaces phenylalanine, which is neutral and non-polar, with leucine, which is neutral and non-polar, at codon 19 of the DCLRE1C protein (p.Phe19Leu). This variant is not present in population databases (gnomAD no frequency). This variant has not been reported in the literature in individuals affected with DCLRE1C-related conditions. ClinVar contains an entry for this variant (Variation ID: 2107279). An algorithm developed to predict the effect of missense changes on protein structure and function (PolyPhen-2) suggests that this variant is likely to be disruptive. In summary, the available evidence is currently insufficient to determine the role of this variant in disease. Therefore, it has been classified as a Variant of Uncertain Significance.